The following is an entry in ClinVar:

ClinVar aggregate classification (germline): Pathogenic (1 of 4 stars; one submission).

gnomAD v4.1: 5 of 1,613,802 alleles (0.00031%); highest among the groups gnomAD compares: Non-Finnish European, 0.00034%; no homozygotes.

Submission:

Labcorp Genetics (formerly Invitae), Labcorp
Classification: Pathogenic. Last evaluated: 2025-06-23. Review status: criteria provided, single submitter. Criteria: Invitae Variant Classification Sherloc (09022015). Collection method: clinical testing. Allele origin: germline.
Comment: This sequence change creates a premature translational stop signal (p.Arg3342*) in the FAT4 gene. It is expected to result in an absent or disrupted protein product. Loss-of-function variants in FAT4 are known to be pathogenic (PMID: 24056717, 24913602). This variant is not present in population databases (gnomAD no frequency). This variant has not been reported in the literature in individuals affected with FAT4-related conditions. ClinVar contains an entry for this variant (Variation ID: 2847475). For these reasons, this variant has been classified as Pathogenic.

Literature cited by the submitters: PubMed 24056717; PubMed 24913602.

NM_001291303.3(FAT4):c.10030C>T (p.Arg3344Ter)

Gene: FAT4 (FAT atypical cadherin 4; plus strand). Cytogenetic location: 4q28.1.
Variant type: single nucleotide variant.
Coding change: c.10030C>T on transcript NM_001291303.3 (MANE Select); coding-DNA position 10030, C replaced by T.
Protein change: p.Arg3344Ter; replaces arginine 3344 with a stop codon.
Molecular consequence: nonsense.
Genome position (GRCh38, 1-based): chr4:125,451,040, C>T. VCF-style: chr4-125451040-C-T. GRCh37 (hg19) VCF-style: chr4-126372195-C-T.
Other names: c.10030C>T, p.Arg3344Ter (NM_001291285.3); c.10024C>T, p.Arg3342Ter (NM_024582.6); short protein forms R3342*, R3344*.
Identifiers: ClinVar variation 2847475 (VCV002847475.3), dbSNP rs1243659384, ClinGen allele CA358157037.